The following is an entry in ClinVar:

ClinVar aggregate classification (germline): Uncertain significance (1 of 4 stars; one submission).

Conditions:
Hereditary cancer-predisposing syndrome. Also called: Neoplastic Syndromes, Hereditary; Tumor predisposition; Hereditary neoplastic syndrome; Hereditary Cancer Syndrome. Identifiers: Orphanet 140162, MedGen C0027672, MeSH D009386, MONDO:0015356.

Submission:

Ambry Genetics
Classification: Uncertain significance for Hereditary cancer-predisposing syndrome. Last evaluated: 2026-07-10. Review status: criteria provided, single submitter. Criteria: Ambry Variant Classification Scheme 2023. Collection method: clinical testing. Allele origin: germline.
Comment: The p.R281P variant (also known as c.842G>C), located in coding exon 9 of the CDC73 gene, results from a G to C substitution at nucleotide position 842. The arginine at codon 281 is replaced by proline, an amino acid with dissimilar properties. This amino acid position is conserved. In addition, the in silico prediction for this alteration is inconclusive. Based on the available evidence, the clinical significance of this variant remains unclear.

NM_024529.5(CDC73):c.842G>C (p.Arg281Pro)

Gene: CDC73 (cell division cycle 73; plus strand). Cytogenetic location: 1q31.2.
Variant type: single nucleotide variant.
Coding change: c.842G>C on transcript NM_024529.5 (MANE Select); coding-DNA position 842, G replaced by C.
Protein change: p.Arg281Pro; replaces arginine 281 with proline.
Molecular consequence: missense variant.
Genome position (GRCh38, 1-based): chr1:193,150,317, G>C. VCF-style: chr1-193150317-G-C. GRCh37 (hg19) VCF-style: chr1-193119447-G-C.
Other names: short protein forms R281P.
Identifiers: ClinVar variation 5033829 (VCV005033829.1).
Genomic context (GRCh38, chr1:193,150,317, plus strand): 5'-GACATTTAAAAATATTAACAAGTAACTCATAATTAATTTTTTTACAGGATCCCACTTTGC[G>C]CACCAAACAGCCTATCCCAGCTGCCTATAACAGATACGATCAGGAAAGATTCAAAGGAAA-3'
Protein context (NP_078805.3, residues 271-291): PNAAPVDPTL[Arg281Pro]TKQPIPAAYN